The following is an entry in ClinVar:

ClinVar aggregate classification (germline): Likely benign. Review status: criteria provided, single submitter (1 of 4 stars). 2 submissions from 2 submitters: Likely benign (1). 1 of the submissions does not count toward it. Last evaluated 2024-08-30.

Conditions:
PTPRF-related disorder. Also called: PTPRF-related condition.

Allele frequency attached by ClinVar (database versions not stated): ExAC 0.00003; gnomAD exomes 0.00005; gnomAD 0.00019; TOPMed 0.00033; ESP Exome Variant Server 0.00038.
gnomAD v4.1: 101 of 1,614,056 alleles (0.0063%); highest among the groups gnomAD compares: African/African-American, 0.077%; no homozygotes.

Submissions (2):

Blueprint Genetics
Classification: Likely benign. Last evaluated: 2024-08-30. Review status: criteria provided, single submitter. Criteria: ACMG Guidelines, 2015. Collection method: clinical testing. Allele origin: germline.

PreventionGenetics, part of Exact Sciences
Classification: Likely benign for PTPRF-related condition. Last evaluated: 2019-05-20. Review status: no assertion criteria provided. Collection method: clinical testing. Allele origin: germline. Not counted in ClinVar's aggregate classification.
Comment: This variant is classified as likely benign based on ACMG/AMP sequence variant interpretation guidelines (Richards et al. 2015 PMID: 25741868, with internal and published modifications).

NM_002840.5(PTPRF):c.636G>A (p.Ser212=)

Gene: PTPRF (protein tyrosine phosphatase receptor type F; plus strand). Cytogenetic location: 1p34.2.
Variant type: single nucleotide variant.
Coding change: c.636G>A on transcript NM_002840.5 (MANE Select); coding-DNA position 636, G replaced by A.
Protein change: p.Ser212=; no amino-acid change (serine 212 retained).
Molecular consequence: synonymous variant.
Genome position (GRCh38, 1-based): chr1:43,578,877, G>A. VCF-style: chr1-43578877-G-A. GRCh37 (hg19) VCF-style: chr1-44044548-G-A.
Other names: c.654G>A, p.Ser218= (NM_001329137.2, NM_001329138.2); c.636G>A, p.Ser212= (NM_001329139.2, NM_001329140.2, NM_130440.4).
Identifiers: ClinVar variation 3041439 (VCV003041439.3), dbSNP rs140062416, ClinGen allele CA811874.